The following is an entry in ClinVar:

ClinVar aggregate classification (germline): Uncertain significance (1 of 4 stars; one submission).

Submission:

Labcorp Genetics (formerly Invitae), Labcorp
Classification: Uncertain significance. Last evaluated: 2026-01-21. Review status: criteria provided, single submitter. Criteria: Invitae Variant Classification Sherloc (09022015). Collection method: clinical testing. Allele origin: germline.
Comment: This sequence change replaces valine, which is neutral and non-polar, with alanine, which is neutral and non-polar, at codon 359 of the SERPING1 protein (p.Val359Ala). This variant is not present in population databases (gnomAD no frequency). This variant has not been reported in the literature in individuals affected with SERPING1-related conditions. Invitae Evidence Modeling of protein sequence and biophysical properties (such as structural, functional, and spatial information, amino acid conservation, physicochemical variation, residue mobility, and thermodynamic stability) has been performed for this missense variant. However, the output from this modeling did not meet the statistical confidence thresholds required to predict the impact of this variant on SERPING1 protein function. In summary, the available evidence is currently insufficient to determine the role of this variant in disease. Therefore, it has been classified as a Variant of Uncertain Significance.

NM_000062.3(SERPING1):c.1076T>C (p.Val359Ala)

Gene: SERPING1 (serpin family G member 1; plus strand). Cytogenetic location: 11q12.1.
Variant type: single nucleotide variant.
Coding change: c.1076T>C on transcript NM_000062.3 (MANE Select); coding-DNA position 1076, T replaced by C.
Protein change: p.Val359Ala; replaces valine 359 with alanine.
Molecular consequence: missense variant.
Genome position (GRCh38, 1-based): chr11:57,611,763, T>C. VCF-style: chr11-57611763-T-C. GRCh37 (hg19) VCF-style: chr11-57379236-T-C.
Other names: c.1076T>C, p.Val359Ala (NM_001032295.2); short protein forms V359A.
Identifiers: ClinVar variation 4718448 (VCV004718448.1).